The following is an entry in ClinVar:

NM_000298.6(PKLR):c.1022G>C (p.Gly341Ala)

Gene: PKLR (pyruvate kinase L/R; minus strand). Cytogenetic location: 1q22.
Variant type: single nucleotide variant.
Coding change: c.1022G>C on transcript NM_000298.6 (MANE Select); coding-DNA position 1022, G replaced by C.
Protein change: p.Gly341Ala; replaces glycine 341 with alanine.
Molecular consequence: missense variant.
Genome position (GRCh38, 1-based): chr1:155,294,329, C>G on the plus strand (G>C on the coding strand, the complement: PKLR is on the minus strand). VCF-style: chr1-155294329-C-G. GRCh37 (hg19) VCF-style: chr1-155264120-C-G.
Other names: c.929G>C, p.Gly310Ala (NM_181871.4); short protein forms G310A, G341A.
Identifiers: ClinVar variation 2437867 (VCV002437867.3), dbSNP rs1227427396, ClinGen allele CA342753476.

ClinVar aggregate classification (germline): Pathogenic/Likely pathogenic. Review status: criteria provided, multiple submitters, no conflicts (2 of 4 stars). 2 submissions from 2 submitters: Pathogenic (1); Likely pathogenic (1). Last evaluated 2023-09-07.

Conditions:
Pyruvate kinase deficiency of red cells (CNSHA2). Also called: Pyruvate kinase deficiency, Amish type; PK DEFICIENCY; PYRUVATE KINASE DEFICIENCY OF ERYTHROCYTE. Identifiers: Orphanet 766, MedGen C0340968, MONDO:0009950, OMIM 266200.

Allele frequency attached by ClinVar (database versions not stated): TOPMed 0.00001; gnomAD exomes 0.00002.
gnomAD v4.1: 27 of 1,613,954 alleles (0.0017%); highest among the groups gnomAD compares: Non-Finnish European, 0.0023%; no homozygotes.

Submissions (2):

Revvity Omics, Revvity
Classification: Pathogenic. Last evaluated: 2023-09-07. Review status: criteria provided, single submitter. Criteria: ACMG Guidelines, 2015. Collection method: clinical testing. Allele origin: germline.

Genetics and Molecular Pathology, SA Pathology
Classification: Likely pathogenic for Pyruvate kinase deficiency of red cells. Last evaluated: 2023-02-07. Review status: criteria provided, single submitter. Criteria: ACMG Guidelines, 2015. Collection method: clinical testing. Allele origin: germline. Inheritance: Autosomal recessive inheritance. Affected: yes.
Comment: The PKLR c.1022G>C variant is classified as Likely Pathogenic (PS4_Supporting, PM2, PM3, PM5, PP3) The PKLR c.1022G>C variant is a single nucleotide change in exon 7/11 of the PKLR gene, which is predicted to change the amino acid glycine at position 341 in the protein to alanine. The variant has been reported in 2 cases in the literature with a clinical presentation of haemolytic anaemia (PMID:7706479, PMID:34662886) (PS4_Supporting). The variant is rare in population databases (gnomAD allele frequency = 0.00065%; 1 het and 0 hom in 152112 sequenced alleles; highest frequency = 0.0014%, Non-Finnish European population) (PM2). This variant has been detected in trans with a pathogenic variant p.Gly275Arg for this recessive condition (PM3). This variant is a missense change at an amino acid residue where the different missense changes p.Gly341Asp and p.Gly341Ser have been reported (HGMD:CM981563; CM211763) (PM5). Computational predictions support a deleterious effect on the gene or gene product (PP3). The variant has been reported in dbSNP (rs1227427396) and in the HGMD database: CM950950. It has not been reported in ClinVar.

Literature cited by the submitters: PubMed 7706479 (cited by Genetics and Molecular Pathology, SA Pathology); PubMed 34662886 (cited by Genetics and Molecular Pathology, SA Pathology).